The following is an entry in ClinVar:

NM_000059.4(BRCA2):c.9257-5297C>G

Gene: BRCA2 (BRCA2 DNA repair associated; plus strand). Cytogenetic location: 13q13.1.
Variant type: single nucleotide variant.
Coding change: c.9257-5297C>G on transcript NM_000059.4 (MANE Select); 5297 bases into the intron before coding-DNA position 9257, C replaced by G.
Molecular consequence: intron variant.
Genome position (GRCh38, 1-based): chr13:32,389,392, C>G. VCF-style: chr13-32389392-C-G. GRCh37 (hg19) VCF-style: chr13-32963529-C-G.
Other names: IVS 24-5297C>G.
Identifiers: ClinVar variation 209884 (VCV000209884.1), dbSNP rs11571801, ClinGen allele CA276852.

ClinVar aggregate classification (germline): Benign (3 of 4 stars; one submission).

Conditions:
Breast-ovarian cancer, familial, susceptibility to, 2 (BROVCA2). Also called: BRCA2 Hereditary Breast and Ovarian Cancer. Identifiers: Orphanet 145, MedGen C2675520, MONDO:0012933, OMIM 612555. Disease mechanism: loss of function.

Allele frequency attached by ClinVar (database versions not stated): TOPMed 0.02096; gnomAD 0.02509 and 0.02065; 1000 Genomes Project 30x 0.04934; 1000 Genomes Project 0.05112.
gnomAD v4.1: 3,788 of 152,262 alleles (2.5%); highest among the groups gnomAD compares: South Asian, 12%; 99 homozygotes.

Submission:

Evidence-based Network for the Interpretation of Germline Mutant Alleles (ENIGMA)
Classification: Benign for Breast-ovarian cancer, familial 2. Last evaluated: 2015-01-12. Review status: reviewed by expert panel. Criteria: ENIGMA BRCA1/2 Classification Criteria (2015). Collection method: curation. Allele origin: germline.
Comment: Class 1 not pathogenic based on frequency >1% in an outbred sampleset. Frequency 0.06119 (Asian), 0.0343 (European), derived from 1000 genomes (2012-04-30).